The following is an entry in ClinVar:

ClinVar aggregate classification (germline): association. Review status: no assertion criteria provided (0 of 4 stars). 2 submissions from 1 submitter: association (2). Last evaluated 2026-03-26.

Conditions:
Gastric cancer. Also called: Malignant tumor of stomach; Stomach cancer. Identifiers: MedGen C0024623, MeSH D013274, MONDO:0001056, OMIM 613659, HP:0012126.
Triple-negative breast cancer. Identifiers: MedGen C3539878.

gnomAD v4.1: 50,414 of 1,610,524 alleles (3.1%); highest among the groups gnomAD compares: East Asian, 13%; 1,121 homozygotes.

Submissions (2):

Hdge Lab, Department of Biotechnology, Mizoram University
Classification: association for Gastric cancer. Last evaluated: 2026-03-26. Review status: no assertion criteria provided. Collection method: case-control. Allele origin: germline. Affected: yes. Observed: 8 variant alleles.
Comment: Variant identified in a case-control study of gastric cancer. Allele frequencies were compared between cases and controls. Although an increased odds ratio was observed (OR=1.961, 95% CI=0.416-8.05). This variant is classified as "association" based on preliminary case-control evidence.

Hdge Lab, Department of Biotechnology, Mizoram University
Classification: association for Triple-negative breast cancer. Last evaluated: 2026-03-26. Review status: no assertion criteria provided. Collection method: case-control. Allele origin: germline. Affected: yes. Observed: 5 variant alleles.
Comment: Variant identified in a case-control study of TNBC. Allele frequencies were compared between cases and controls. Although an increased odds ratio was observed (OR=5.500, 95% CI=0.545 – 55.494). This variant is classified as "association" based on preliminary case-control evidence

NM_001216.3(CA9):c.391A>T (p.Arg131Trp)

Gene: CA9 (carbonic anhydrase 9; plus strand). Cytogenetic location: 9p13.3.
Variant type: single nucleotide variant.
Coding change: c.391A>T on transcript NM_001216.3 (MANE Select); coding-DNA position 391, A replaced by T.
Protein change: p.Arg131Trp; replaces arginine 131 with tryptophan.
Molecular consequence: missense variant.
Genome position (GRCh38, 1-based): chr9:35,674,350, A>T. VCF-style: chr9-35674350-A-T. GRCh37 (hg19) VCF-style: chr9-35674347-A-T.
Other names: short protein forms R131W.
Identifiers: ClinVar variation 4819384 (VCV004819384.1), dbSNP rs77984049.